The following is an entry in ClinVar:

ClinVar aggregate classification (germline): Uncertain significance (1 of 4 stars; one submission).

Conditions:
Long QT syndrome (LQTS). Identifiers: MedGen C0023976, MeSH D008133, MONDO:0002442. Disease mechanism: loss of function. Inheritance: Various modes of inheritance.

Submission:

Labcorp Genetics (formerly Invitae), Labcorp
Classification: Uncertain significance for Long QT syndrome. Last evaluated: 2026-01-11. Review status: criteria provided, single submitter. Criteria: Invitae Variant Classification Sherloc (09022015). Collection method: clinical testing. Allele origin: germline.
Comment: This variant, c.2905_2913dup, results in the insertion of 3 amino acid(s) of the AKAP9 protein (p.Lys969_Gly971dup), but otherwise preserves the integrity of the reading frame. This variant is not present in population databases (gnomAD no frequency). This variant has not been reported in the literature in individuals affected with AKAP9-related conditions. ClinVar contains an entry for this variant (Variation ID: 3730780). In summary, the available evidence is currently insufficient to determine the role of this variant in disease. Therefore, it has been classified as a Variant of Uncertain Significance.

NM_005751.5(AKAP9):c.2905_2913dup (p.Gly971_Glu972insLysHisGly)

Gene: AKAP9 (A-kinase anchoring protein 9; plus strand). Cytogenetic location: 7q21.2.
Variant type: Duplication.
Coding change: c.2905_2913dup on transcript NM_005751.5 (MANE Select); coding-DNA positions 2905 to 2913, 9 bases duplicated (AAACATGGT; older notation c.2905_2913dupAAACATGGT).
Protein change: p.Gly971_Glu972insLysHisGly.
Genome position (GRCh38, 1-based): chr7:92,002,822-92,002,830, AAACATGGT duplicated. VCF-style (leftmost placement, unchanged base first): chr7-92002821-G-GAAACATGGT. GRCh37 (hg19) VCF-style: chr7-91632135-G-GAAACATGGT.
Other names: c.2905_2913dup, p.Gly971_Glu972insLysHisGly (NM_147185.3).
Identifiers: ClinVar variation 3730780 (VCV003730780.2).